The following is an entry in ClinVar:

ClinVar aggregate classification (germline): Uncertain significance. Review status: criteria provided, multiple submitters, no conflicts (2 of 4 stars). 2 submissions from 2 submitters: Uncertain significance (2). Last evaluated 2023-12-14.

Allele frequency attached by ClinVar (database versions not stated): gnomAD 0.00001.
gnomAD v4.1: 8 of 1,604,548 alleles (0.0005%); highest among the groups gnomAD compares: Admixed American, 0.0017%; no homozygotes.

Submissions (2):

Ambry Genetics
Classification: Uncertain significance. Last evaluated: 2023-12-14. Review status: criteria provided, single submitter. Criteria: Ambry Variant Classification Scheme 2023. Collection method: clinical testing. Allele origin: germline.

Labcorp Genetics (formerly Invitae), Labcorp
Classification: Uncertain significance. Last evaluated: 2023-10-22. Review status: criteria provided, single submitter. Criteria: Invitae Variant Classification Sherloc (09022015). Collection method: clinical testing. Allele origin: germline.
Comment: This sequence change replaces arginine, which is basic and polar, with tryptophan, which is neutral and slightly polar, at codon 60 of the TNFRSF6B protein (p.Arg60Trp). This variant is not present in population databases (gnomAD no frequency). This variant has not been reported in the literature in individuals affected with TNFRSF6B-related conditions. An algorithm developed to predict the effect of missense changes on protein structure and function (PolyPhen-2) suggests that this variant is likely to be disruptive. In summary, the available evidence is currently insufficient to determine the role of this variant in disease. Therefore, it has been classified as a Variant of Uncertain Significance.

NM_003823.4(TNFRSF6B):c.178C>T (p.Arg60Trp)

Genes: RTEL1-TNFRSF6B (RTEL1-TNFRSF6B readthrough (NMD candidate); plus strand), TNFRSF6B (TNF receptor superfamily member 6b; plus strand). Cytogenetic location: 20q13.33.
Variant type: single nucleotide variant.
Coding change: c.178C>T on transcript NM_003823.4 (MANE Select); coding-DNA position 178, C replaced by T.
Protein change: p.Arg60Trp; replaces arginine 60 with tryptophan.
Molecular consequence: missense variant. On other transcripts: non-coding transcript variant (1).
Genome position (GRCh38, 1-based): chr20:63,696,945, C>T. VCF-style: chr20-63696945-C-T. GRCh37 (hg19) VCF-style: chr20-62328298-C-T.
Other names: short protein forms R60W.
Identifiers: ClinVar variation 2838607 (VCV002838607.4), dbSNP rs2090994224, ClinGen allele CA409710910.